The following is an entry in ClinVar:

NM_007294.4(BRCA1):c.109A>G (p.Thr37Ala)

Gene: BRCA1 (BRCA1 DNA repair associated; minus strand). Cytogenetic location: 17q21.31.
Variant type: single nucleotide variant.
Coding change: c.109A>G on transcript NM_007294.4 (MANE Select); coding-DNA position 109, A replaced by G.
Protein change: p.Thr37Ala; replaces threonine 37 with alanine.
Molecular consequence: missense variant. On other transcripts: non-coding transcript variant (1), intron variant (1).
Genome position (GRCh38, 1-based): chr17:43,115,751, T>C on the plus strand (A>G on the coding strand, the complement: BRCA1 is on the minus strand). VCF-style: chr17-43115751-T-C. GRCh37 (hg19) VCF-style: chr17-41267768-T-C.
Other names: c.-80A>G (NM_001407571.1, NM_001408478.1, NM_001408479.1 and 52 more transcripts); c.109A>G, p.Thr37Ala (NM_001407581.1, NM_001407582.1, NM_001407583.1 and 192 more transcripts); c.-33A>G (NM_001408452.1, NM_001408453.1, NM_001408458.1 and 47 more transcripts); c.-149A>G (NM_001408455.1, NM_001408456.1, NM_001408468.1 and 13 more transcripts); c.-153A>G (NM_001408465.1, NM_001407695.1); c.-29A>G (NM_001407841.1); c.-196A>G (NM_001408492.1, NM_001407889.1, NM_001407900.1); c.-195A>G (NM_001408510.1, NM_001408512.1, NM_001407960.1 and 1 more transcripts); and 2 more; short protein forms T37A.
Identifiers: ClinVar variation 868146 (VCV000868146.5), dbSNP rs2055253295, ClinGen allele CA10601937.

ClinVar aggregate classification (germline): Likely pathogenic (0 of 4 stars; one submission).

Conditions:
Breast-ovarian cancer, familial, susceptibility to, 1 (BROVCA1). Also called: BRCA1 Hereditary Breast and Ovarian Cancer; OVARIAN CANCER, SUSCEPTIBILITY TO. Identifiers: Orphanet 145, MedGen C2676676, MONDO:0011450, OMIM 604370. Disease mechanism: loss of function.

Submissions (2):

MVZ Praenatalmedizin und Genetik Nuernberg
Classification: Likely pathogenic for Breast-ovarian cancer, familial, susceptibility to, 1. Last evaluated: 2021-07-31. Review status: no assertion criteria provided. Collection method: clinical testing. Allele origin: germline. Inheritance: Autosomal dominant inheritance. Affected: no. Observed: 1 heterozygote.
Comment: This variant was not listed with information in the databases (ClinVar, LOVD). GnomAD shows no entry for this variant (very rare or private variant). In silico analyses predict largely consistently a possible damaging effect. Regarding the affected amino acid another substitutions is known to be clearly pathogenic by an expert panel. (ClinVar:NM_007294.4(BRCA1):c.110C>A (p.Thr37Lys). Taken together, we classify this variant as likely pathogenic.

Brotman Baty Institute, University of Washington
No classification provided (evidence only). Condition: Breast-ovarian cancer, familial 1. Review status: no classification provided. Collection method: in vitro. Allele origin: not applicable. Functional consequence: functionally_normal. Not counted in ClinVar's aggregate classification.
ClinVar note: "not provided" was previously submitted as the classification for the variant. However, the classification appeared to be based only on an observation of functional data so it was converted to no classification on 2025-07-30.